The following is an entry in ClinVar:

ClinVar aggregate classification (germline): Pathogenic/Likely pathogenic. Review status: criteria provided, multiple submitters, no conflicts (2 of 4 stars). 3 submissions from 3 submitters: Pathogenic (2); Likely pathogenic (1). Last evaluated 2025-01-12.

Conditions:
Primary ciliary dyskinesia 3. Identifiers: Orphanet 244, MedGen C1837618, MONDO:0012085, OMIM 608644.
Primary ciliary dyskinesia. Also called: Ciliary dyskinesia. Identifiers: Orphanet 244, MedGen C0008780, MONDO:0016575, HP:0012265.

gnomAD v4.1: 2 of 1,614,072 alleles (0.00012%); highest among the groups gnomAD compares: African/African-American, 0.0027%; no homozygotes.

Submissions (3):

Natera, Inc.
Classification: Likely pathogenic for Primary ciliary dyskinesia. Last evaluated: 2025-01-12. Review status: criteria provided, single submitter. Criteria: Natera Variant Classification Schema (03/2026). Collection method: clinical testing. Allele origin: germline.
Comment: The c.13096A>T variant in DNAH5 is a nonsense variant predicted to introduce a stop codon at amino acid 4366. This variant is expected to result in nonsense mediated decay, truncation, or a dysfunctional protein product. This variant is rare in the general population with a frequency below the threshold expected for the associated phenotype(s). Given the available evidence, this variant is classified as Likely Pathogenic.

Labcorp Genetics (formerly Invitae), Labcorp
Classification: Pathogenic for Primary ciliary dyskinesia. Last evaluated: 2024-10-28. Review status: criteria provided, single submitter. Criteria: Invitae Variant Classification Sherloc (09022015). Collection method: clinical testing. Allele origin: germline.
Comment: This sequence change creates a premature translational stop signal (p.Lys4366*) in the DNAH5 gene. It is expected to result in an absent or disrupted protein product. Loss-of-function variants in DNAH5 are known to be pathogenic (PMID: 11788826, 16627867). This variant is present in population databases (no rsID available, gnomAD 0.01%). This variant has not been reported in the literature in individuals affected with DNAH5-related conditions. For these reasons, this variant has been classified as Pathogenic.

Myriad Genetics, Inc.
Classification: Pathogenic for Primary ciliary dyskinesia 3. Last evaluated: 2024-08-15. Review status: criteria provided, single submitter. Criteria: Myriad Autosomal Dominant, Autosomal Recessive and X-Linked Classification Criteria (2023). Collection method: clinical testing. Allele origin: unknown.
Comment: NM_001369.2(DNAH5):c.13096A>T(K4366*) is expected to be pathogenic in the context of primary ciliary dyskinesia, DNAH5-related. This variant is predicted to lead to an abnormal or absent protein product due to the creation of a premature termination codon in DNAH5, a gene where loss-of-function variants are known to be pathogenic. Please note: this variant was assessed in the context of healthy population screening.

Literature cited by the submitters: PubMed 11788826 (cited by Labcorp Genetics (formerly Invitae), Labcorp); PubMed 16627867 (cited by Labcorp Genetics (formerly Invitae), Labcorp).

NM_001369.3(DNAH5):c.13096A>T (p.Lys4366Ter)

Gene: DNAH5 (dynein axonemal heavy chain 5; minus strand). Cytogenetic location: 5p15.2.
Variant type: single nucleotide variant.
Coding change: c.13096A>T on transcript NM_001369.3 (MANE Select); coding-DNA position 13096, A replaced by T.
Protein change: p.Lys4366Ter; replaces lysine 4366 with a stop codon.
Molecular consequence: nonsense.
Genome position (GRCh38, 1-based): chr5:13,714,434, T>A on the plus strand (A>T on the coding strand, the complement: DNAH5 is on the minus strand). VCF-style: chr5-13714434-T-A. GRCh37 (hg19) VCF-style: chr5-13714543-T-A.
Other names: c.13096A>T (NM_001369.2); short protein forms K4366*.
Identifiers: ClinVar variation 3720608 (VCV003720608.5).
Genomic context (GRCh38, chr5:13,714,434, plus strand): 5'-CTGACATTTTGTCAGGATTTCATCAACTCACTTCAAAGGGGACATAGTCTGGGGGCAGCT[T>A]CTCCAGCATATCATCAGCCAGCCGGGCCACCACCGCCTCCCGGGTCTCATCCCCTCCACC-3'